The following is an entry in ClinVar:

ClinVar aggregate classification (germline): Uncertain significance. Review status: criteria provided, multiple submitters, no conflicts (2 of 4 stars). 2 submissions from 2 submitters: Uncertain significance (2). Last evaluated 2025-08-01.

Conditions:
Ataxia-telangiectasia syndrome (AT). Also called: Ataxia telangiectasia (A-T); Ataxia-telangiectasia, complementation group D; AT, COMPLEMENTATION GROUP C; ATAXIA-TELANGIECTASIA, COMPLEMENTATION GROUP A; Ataxia-telangiectasia, complementation group E; ATAXIA-TELANGIECTASIA, FRESNO VARIANT. Identifiers: Orphanet 100, MedGen C0004135, MONDO:0008840, OMIM 208900.
Hereditary cancer-predisposing syndrome. Also called: Neoplastic Syndromes, Hereditary; Tumor predisposition; Hereditary Cancer Syndrome; Hereditary neoplastic syndrome. Identifiers: Orphanet 140162, MedGen C0027672, MeSH D009386, MONDO:0015356.

Allele frequency attached by ClinVar (database versions not stated): gnomAD exomes below 0.00001.
gnomAD v4.1: 3 of 1,613,472 alleles (0.00019%); highest among the groups gnomAD compares: Non-Finnish European, 0.00025%; no homozygotes.

Submissions (2):

Ambry Genetics
Classification: Uncertain significance for Hereditary cancer-predisposing syndrome. Last evaluated: 2025-08-01. Review status: criteria provided, single submitter. Criteria: Ambry Variant Classification Scheme 2023. Collection method: clinical testing. Allele origin: germline.
Comment: The p.H269R variant (also known as c.806A>G), located in coding exon 6 of the ATM gene, results from an A to G substitution at nucleotide position 806. The histidine at codon 269 is replaced by arginine, an amino acid with highly similar properties. This amino acid position is conserved. In addition, this alteration is predicted to be tolerated by in silico analysis. Since supporting evidence is limited at this time, the clinical significance of this alteration remains unclear.

Labcorp Genetics (formerly Invitae), Labcorp
Classification: Uncertain significance for Ataxia-telangiectasia syndrome. Last evaluated: 2024-07-24. Review status: criteria provided, single submitter. Criteria: Invitae Variant Classification Sherloc (09022015). Collection method: clinical testing. Allele origin: germline.
Comment: This sequence change replaces histidine, which is basic and polar, with arginine, which is basic and polar, at codon 269 of the ATM protein (p.His269Arg). This variant is not present in population databases (gnomAD no frequency). This variant has not been reported in the literature in individuals affected with ATM-related conditions. ClinVar contains an entry for this variant (Variation ID: 567924). An algorithm developed to predict the effect of missense changes on protein structure and function (PolyPhen-2) suggests that this variant is likely to be tolerated. In summary, the available evidence is currently insufficient to determine the role of this variant in disease. Therefore, it has been classified as a Variant of Uncertain Significance.

NM_000051.4(ATM):c.806A>G (p.His269Arg)

Gene: ATM (ATM serine/threonine kinase; plus strand). Cytogenetic location: 11q22.3.
Variant type: single nucleotide variant.
Coding change: c.806A>G on transcript NM_000051.4 (MANE Select); coding-DNA position 806, A replaced by G.
Protein change: p.His269Arg; replaces histidine 269 with arginine.
Molecular consequence: missense variant.
Genome position (GRCh38, 1-based): chr11:108,244,931, A>G. VCF-style: chr11-108244931-A-G. GRCh37 (hg19) VCF-style: chr11-108115658-A-G.
Other names: c.806A>G, p.His269Arg (NM_001351834.2); short protein forms H269R.
Identifiers: ClinVar variation 567924 (VCV000567924.8), dbSNP rs1565371740, ClinGen allele CA382529384.